The following is an entry in ClinVar:

ClinVar aggregate classification (germline): Pathogenic/Likely pathogenic. Review status: criteria provided, multiple submitters, no conflicts (2 of 4 stars). 3 submissions from 3 submitters: Pathogenic (2); Likely pathogenic (1). Last evaluated 2023-10-13.

Conditions:
SCN8A-related disorder.
Inborn genetic diseases. Identifiers: MedGen C0950123, MeSH D030342.
Early-infantile DEE. Also called: Early infantile epileptic encephalopathy; Early infantile epileptic encephalopathy with suppression bursts; Ohtahara syndrome. Identifiers: Orphanet 1934, MedGen C0393706, MONDO:0800491.

Submissions (3):

Ambry Genetics
Classification: Pathogenic for Inborn genetic diseases. Last evaluated: 2023-10-13. Review status: criteria provided, single submitter. Criteria: Ambry Variant Classification Scheme 2023. Collection method: clinical testing. Allele origin: germline.
Comment: The c.1965delC (p.G656Afs*27) alteration, located in exon 12 (coding exon 11) of the SCN8A gene, consists of a deletion of one nucleotide at position 1965, causing a translational frameshift with a predicted alternate stop codon after 27 amino acids. This alteration is expected to result in loss of function by premature protein truncation or nonsense-mediated mRNA decay._x000D_ _x000D_ Based on the available evidence, the SCN8A c.1965delC (p.G656Afs*27) alteration is classified as pathogenic for SCN8A-related neurodevelopmental disorder; however, its clinical significance for SCN8A-related seizure disorders is uncertain. This variant was not reported in population-based cohorts in the Genome Aggregation Database (gnomAD). Based on the available evidence, this alteration is classified as pathogenic.

Variantyx, Inc.
Classification: Likely pathogenic for SCN8A-related disorders. Last evaluated: 2022-11-07. Review status: criteria provided, single submitter. Criteria: Variantyx Assertion Criteria 2022. Collection method: clinical testing. Allele origin: paternal. Inheritance: Autosomal dominant inheritance. Affected: yes.
Comment: This is a frameshift variant in the SCN8A gene (OMIM 600702). Heterozygous pathogenic variants in this gene are associated with SCN8A-related disorders. This variant introduces a premature termination codon in exon 12 out of 27. It is expected to result in loss of function, which is a known disease mechanism for SCN8A (PMID: 28702509, 34431999) (PVS1). This variant is absent from control populations (PM2_Supporting). This variant has not been reported previously in the medical literature. Based on the current evidence, this variant is classified as likely pathogenic for SCN8A-related disorders.

Labcorp Genetics (formerly Invitae), Labcorp
Classification: Pathogenic for Early-infantile DEE. Last evaluated: 2021-11-12. Review status: criteria provided, single submitter. Criteria: Invitae Variant Classification Sherloc (09022015). Collection method: clinical testing. Allele origin: germline.
Comment: This sequence change creates a premature translational stop signal (p.Gly656Alafs*27) in the SCN8A gene. It is expected to result in an absent or disrupted protein product. Loss-of-function variants in SCN8A are known to be pathogenic (PMID: 19254928, 32651551). This variant is not present in population databases (gnomAD no frequency). This variant has not been reported in the literature in individuals affected with SCN8A-related conditions. ClinVar contains an entry for this variant (Variation ID: 530450). For these reasons, this variant has been classified as Pathogenic.

Literature cited by the submitters: PubMed 28702509 (cited by Variantyx, Inc.); PubMed 34431999 (cited by Variantyx, Inc.); PubMed 19254928 (cited by Labcorp Genetics (formerly Invitae), Labcorp); PubMed 32651551 (cited by Labcorp Genetics (formerly Invitae), Labcorp).

NM_001330260.2(SCN8A):c.1965del (p.Gly656fs)

Gene: SCN8A (sodium voltage-gated channel alpha subunit 8; plus strand). Cytogenetic location: 12q13.13.
Variant type: Deletion.
Coding change: c.1965del on transcript NM_001330260.2 (MANE Select); coding-DNA position 1965, one base deleted (C; older notation c.1965delC).
Protein change: p.Gly656fs; shifts the reading frame from glycine 656.
Molecular consequence: frameshift variant.
Genome position (GRCh38, 1-based): chr12:51,721,875, C deleted; the last of 4 consecutive C bases (chr12:51,721,872-51,721,875); deleting any one gives the same sequence. VCF-style (leftmost placement, unchanged base first): chr12-51721871-GC-G. GRCh37 (hg19) VCF-style: chr12-52115655-GC-G.
Other names: c.1965del, p.Gly656fs (NM_001177984.3, NM_001369788.1, NM_014191.4); short protein forms G656fs.
Identifiers: ClinVar variation 530450 (VCV000530450.11), dbSNP rs1352024223, ClinGen allele CA658797913.